The following is an entry in ClinVar:

NM_021813.4(BACH2):c.2161G>A (p.Glu721Lys)

Gene: BACH2 (BACH transcriptional regulator 2; minus strand). Cytogenetic location: 6q15.
Variant type: single nucleotide variant.
Coding change: c.2161G>A on transcript NM_021813.4 (MANE Select); coding-DNA position 2161, G replaced by A.
Protein change: p.Glu721Lys; replaces glutamic acid 721 with lysine.
Molecular consequence: missense variant.
Genome position (GRCh38, 1-based): chr6:89,932,773, C>T on the plus strand (G>A on the coding strand, the complement: BACH2 is on the minus strand). VCF-style: chr6-89932773-C-T. GRCh37 (hg19) VCF-style: chr6-90642492-C-T.
Other names: c.2161G>A, p.Glu721Lys (NM_001170794.2); short protein forms E721K.
Identifiers: ClinVar variation 1977885 (VCV001977885.5), dbSNP rs1346571372, ClinGen allele CA365027518.

ClinVar aggregate classification (germline): Uncertain significance (1 of 4 stars; one submission).

Allele frequency attached by ClinVar (database versions not stated): gnomAD exomes 0.00001.
gnomAD v4.1: 12 of 1,613,854 alleles (0.00074%); highest among the groups gnomAD compares: Admixed American, 0.0017%; no homozygotes.

Submission:

Labcorp Genetics (formerly Invitae), Labcorp
Classification: Uncertain significance. Last evaluated: 2022-08-22. Review status: criteria provided, single submitter. Criteria: Invitae Variant Classification Sherloc (09022015). Collection method: clinical testing. Allele origin: germline.
Comment: In summary, the available evidence is currently insufficient to determine the role of this variant in disease. Therefore, it has been classified as a Variant of Uncertain Significance. Algorithms developed to predict the effect of missense changes on protein structure and function are either unavailable or do not agree on the potential impact of this missense change (SIFT: "Deleterious"; PolyPhen-2: "Possibly Damaging"; Align-GVGD: "Class C0"). This variant has not been reported in the literature in individuals affected with BACH2-related conditions. This variant is present in population databases (no rsID available, gnomAD 0.0009%). This sequence change replaces glutamic acid, which is acidic and polar, with lysine, which is basic and polar, at codon 721 of the BACH2 protein (p.Glu721Lys).